The following is an entry in ClinVar:

NM_001379110.1(SLC9A6):c.825C>G (p.Phe275Leu)

Gene: SLC9A6 (solute carrier family 9 member A6; plus strand). Cytogenetic location: Xq26.3.
Variant type: single nucleotide variant.
Coding change: c.825C>G on transcript NM_001379110.1 (MANE Select); coding-DNA position 825, C replaced by G.
Protein change: p.Phe275Leu; replaces phenylalanine 275 with leucine.
Molecular consequence: missense variant.
Genome position (GRCh38, 1-based): chrX:136,010,523, C>G. VCF-style: chrX-136010523-C-G. GRCh37 (hg19) VCF-style: chrX-135092682-C-G.
Other names: c.981C>G, p.Phe327Leu (NM_001042537.2); c.825C>G, p.Phe275Leu (NM_001177651.2); c.729C>G, p.Phe243Leu (NM_001330652.2); c.885C>G, p.Phe295Leu (NM_006359.3); c.885C>G (NM_006359.2); short protein forms F327L, F295L, F243L, F275L.
Identifiers: ClinVar variation 198540 (VCV000198540.7), dbSNP rs797044779, ClinGen allele CA247246.

ClinVar aggregate classification (germline): Uncertain significance. Review status: criteria provided, multiple submitters, no conflicts (2 of 4 stars). 3 submissions from 3 submitters: Uncertain significance (3). Last evaluated 2026-04-10.

Conditions:
Christianson syndrome (MRXSCH). Also called: INTELLECTUAL DEVELOPMENTAL DISORDER, X-LINKED, SYNDROMIC, CHRISTIANSON TYPE; X-linked mental retardation, syndromic, Christianson type; SLC9A6-Related Syndromic Mental Retardation. Identifiers: Orphanet 85278, MedGen C2678194, MONDO:0010278, OMIM 300243.

Submissions (3):

GeneDx
Classification: Uncertain significance. Last evaluated: 2026-04-10. Review status: criteria provided, single submitter. Criteria: GeneDx Variant Classification Process June 2021. Collection method: clinical testing. Allele origin: germline.
Comment: Not observed at significant frequency in large population cohorts (gnomAD); In silico analysis supports that this missense variant has a deleterious effect on protein structure/function; Has not been previously published as pathogenic or benign to our knowledge

New York Genome Center
Classification: Uncertain significance for Christianson syndrome. Last evaluated: 2020-05-29. Review status: criteria provided, single submitter. Criteria: NYGC Assertion Criteria 2020. Collection method: clinical testing. Allele origin: inherited. Observed: 1 hemizygote. Study: CSER-NYCKidSeq.
Comment: The hemizygous, maternally inherited c.981C>G (p.Phe327Leu) variant identified in the SLC9A6 gene substitutes a completely conserved Phenylalanine for Leucine at amino acid 327/702 (coding exon 7/16). This variant is absent from gnomAD(v3.0) suggesting it is not a common benign variant in the populations represented in that database. In silico algorithms predict this variant to be Deleterious (Provean; score:-5.47) and Damaging (SIFT; score:0.001) to the function of the canonical transcript. This variant is reported as a Variant of Uncertain Significance in ClinVar (VarID:198540), and to our current knowledge has not been reported in affected individuals in the literature. The p.Phe327 residue is within the Na+/H Exchangerdomain region, but outside of one of the transmembrane domains of the protein (UniProtKB: Q92581). Given the lack of compelling evidence for its pathogenicity, the hemizygous, maternally inherited c.981C>G (p.Phe327Leu) variant identified in the SLC9A6 gene is reported as a Variant of Uncertain Significance.

Eurofins Ntd Llc (ga)
Classification: Uncertain significance. Last evaluated: 2014-09-11. Review status: criteria provided, single submitter. Criteria: EGL Classification Definitions 2015. Collection method: clinical testing. Allele origin: germline. Observed: 1 variant allele, 1 hemizygote.